The following is an entry in ClinVar:

ClinVar aggregate classification (germline): Uncertain significance. Review status: criteria provided, multiple submitters, no conflicts (2 of 4 stars). 2 submissions from 2 submitters: Uncertain significance (2). Last evaluated 2025-01-30.

Conditions:
Familial hemophagocytic lymphohistiocytosis 5. Also called: STXBP2-Related Familial Hemophagocytic Lymphohistiocytosis (STXBP2-fHLH). Identifiers: Orphanet 540, MedGen C2751293, MONDO:0013135, OMIM 613101.

Allele frequency attached by ClinVar (database versions not stated): TOPMed below 0.00001; gnomAD exomes 0.00002 and 0.00008; ExAC 0.00012.
gnomAD v4.1: 40 of 1,613,388 alleles (0.0025%); highest among the groups gnomAD compares: South Asian, 0.0033%; no homozygotes.

Submissions (2):

Labcorp Genetics (formerly Invitae), Labcorp
Classification: Uncertain significance for Familial hemophagocytic lymphohistiocytosis 5. Last evaluated: 2025-01-30. Review status: criteria provided, single submitter. Criteria: Invitae Variant Classification Sherloc (09022015). Collection method: clinical testing. Allele origin: germline.
Comment: This sequence change replaces glycine, which is neutral and non-polar, with glutamic acid, which is acidic and polar, at codon 379 of the STXBP2 protein (p.Gly379Glu). This variant is present in population databases (rs778792433, gnomAD 0.04%). This variant has not been reported in the literature in individuals affected with STXBP2-related conditions. ClinVar contains an entry for this variant (Variation ID: 957965). Invitae Evidence Modeling of protein sequence and biophysical properties (such as structural, functional, and spatial information, amino acid conservation, physicochemical variation, residue mobility, and thermodynamic stability) has been performed for this missense variant. However, the output from this modeling did not meet the statistical confidence thresholds required to predict the impact of this variant on STXBP2 protein function. In summary, the available evidence is currently insufficient to determine the role of this variant in disease. Therefore, it has been classified as a Variant of Uncertain Significance.

Genetics and Molecular Pathology, SA Pathology
Classification: Uncertain significance for Familial hemophagocytic lymphohistiocytosis 5. Last evaluated: 2021-09-29. Review status: criteria provided, single submitter. Criteria: ACMG Guidelines, 2015. Collection method: clinical testing. Allele origin: germline. Affected: yes.
Comment: The STXBP2 c.1136G>A variant is classified as VUS (PM2) The STXBP2 c.1136G>A variant is a single nucleotide change in exon 14/19 of the STXBP2 gene, which is predicted to change the amino acid glycine at position 379 in the protein to glutamic acid. This variant is absent from population databases (PM2). The variant has been reported in dbSNP (rs778792433). The variant has been reported as Uncertain significance by other diagnostic laboratories (ClinVar Variation ID: 957965). This variant has not been reported in HGMD.

NM_006949.4(STXBP2):c.1136G>A (p.Gly379Glu)

Gene: STXBP2 (syntaxin binding protein 2; plus strand). Cytogenetic location: 19p13.2.
Variant type: single nucleotide variant.
Coding change: c.1136G>A on transcript NM_006949.4 (MANE Select); coding-DNA position 1136, G replaced by A.
Protein change: p.Gly379Glu; replaces glycine 379 with glutamic acid.
Molecular consequence: missense variant. On other transcripts: non-coding transcript variant (1).
Genome position (GRCh38, 1-based): chr19:7,644,642, G>A. VCF-style: chr19-7644642-G-A. GRCh37 (hg19) VCF-style: chr19-7709528-G-A.
Other names: c.1127G>A, p.Gly376Glu (NM_001127396.3); c.1169G>A, p.Gly390Glu (NM_001272034.2); short protein forms G390E, G376E, G379E.
Identifiers: ClinVar variation 957965 (VCV000957965.9), dbSNP rs778792433, ClinGen allele CA9144008.
Genomic context (GRCh38, chr19:7,644,642, plus strand): 5'-CGGCCGGTGGACGGCTGACCCCATGCCCGCAGGACCTGGCCATGGGCTCCGACGCAGAGG[G>A]GGAGAAGATCAAGGACTCCATGAAGCTGATCGTTCCGGTGCTGCTGGACGCGGCGGTGCC-3'
Protein context (NP_008880.2, residues 369-389): QDLAMGSDAE[Gly379Glu]EKIKDSMKLI